The following is an entry in ClinVar:

ClinVar aggregate classification (germline): Conflicting classifications of pathogenicity. Review status: criteria provided, conflicting classifications (1 of 4 stars). 3 submissions from 3 submitters: Uncertain significance (1); Likely benign (1). 1 of the submissions does not count toward it. Last evaluated 2024-06-03.

Conditions:
Hereditary breast ovarian cancer syndrome. Also called: Hereditary breast and ovarian cancer syndrome; Hereditary breast and ovarian cancer; Hereditary breast and ovarian cancer syndrome (HBOC); Breast and ovarian cancer; Hereditary breast and/or ovarian cancer syndrome; BRCA1- and BRCA2-Associated Hereditary Breast and Ovarian Cancer. Identifiers: Orphanet 145, MedGen C0677776, MeSH D061325, MONDO:0003582. Disease mechanism: loss of function.
Breast-ovarian cancer, familial, susceptibility to, 2 (BROVCA2). Also called: BRCA2 Hereditary Breast and Ovarian Cancer. Identifiers: Orphanet 145, MedGen C2675520, MONDO:0012933, OMIM 612555. Disease mechanism: loss of function.
Hereditary cancer-predisposing syndrome. Also called: Neoplastic Syndromes, Hereditary; Tumor predisposition; Hereditary Cancer Syndrome; Hereditary neoplastic syndrome. Identifiers: Orphanet 140162, MedGen C0027672, MeSH D009386, MONDO:0015356.

Submissions (3):

Labcorp Genetics (formerly Invitae), Labcorp
Classification: Uncertain significance for Hereditary breast ovarian cancer syndrome. Last evaluated: 2024-06-03. Review status: criteria provided, single submitter. Criteria: Invitae Variant Classification Sherloc (09022015). Collection method: clinical testing. Allele origin: germline.
Comment: This sequence change replaces glutamine, which is neutral and polar, with arginine, which is basic and polar, at codon 893 of the BRCA2 protein (p.Gln893Arg). This variant is not present in population databases (gnomAD no frequency). This missense change has been observed in individual(s) with personal or family history of breast and/or ovarian cancer (PMID: 18627636). This variant is also known as 2906A>G. ClinVar contains an entry for this variant (Variation ID: 51325). Advanced modeling of protein sequence and biophysical properties (such as structural, functional, and spatial information, amino acid conservation, physicochemical variation, residue mobility, and thermodynamic stability) performed at Invitae indicates that this missense variant is not expected to disrupt BRCA2 protein function with a negative predictive value of 95%. In summary, the available evidence is currently insufficient to determine the role of this variant in disease. Therefore, it has been classified as a Variant of Uncertain Significance.

University of Washington Department of Laboratory Medicine, University of Washington
Classification: Likely benign for Hereditary cancer-predisposing syndrome. Last evaluated: 2023-03-23. Review status: criteria provided, single submitter. Criteria: Dines et al. (Genet Med. 2020). Collection method: curation. Allele origin: germline.
Comment: Missense variant in a coldspot region where missense variants are very unlikely to be pathogenic (PMID:31911673).

BRCA2 exon 11 coldspot. Reclassification based on statistical prior probability.

Breast Cancer Information Core (BIC) (BRCA2)
Classification: Uncertain significance for Breast-ovarian cancer, familial 2. Last evaluated: 2010-09-18. Review status: no assertion criteria provided. Collection method: clinical testing. Allele origin: germline. Affected: yes. Observed: 1 variant allele. Not counted in ClinVar's aggregate classification.

Literature cited by the submitters: PubMed 18627636 (cited by Labcorp Genetics (formerly Invitae), Labcorp).

NM_000059.4(BRCA2):c.2678A>G (p.Gln893Arg)

Gene: BRCA2 (BRCA2 DNA repair associated; plus strand). Cytogenetic location: 13q13.1.
Variant type: single nucleotide variant.
Coding change: c.2678A>G on transcript NM_000059.4 (MANE Select); coding-DNA position 2678, A replaced by G.
Protein change: p.Gln893Arg; replaces glutamine 893 with arginine.
Molecular consequence: missense variant.
Genome position (GRCh38, 1-based): chr13:32,337,033, A>G. VCF-style: chr13-32337033-A-G. GRCh37 (hg19) VCF-style: chr13-32911170-A-G.
Other names: short protein forms Q893R.
Identifiers: ClinVar variation 51325 (VCV000051325.11), dbSNP rs276174827, ClinGen allele CA016015.